The following is an entry in ClinVar:

NM_021098.3(CACNA1H):c.229G>A (p.Ala77Thr)

Gene: CACNA1H (calcium voltage-gated channel subunit alpha1 H; plus strand). Cytogenetic location: 16p13.3.
Variant type: single nucleotide variant.
Coding change: c.229G>A on transcript NM_021098.3 (MANE Select); coding-DNA position 229, G replaced by A.
Protein change: p.Ala77Thr; replaces alanine 77 with threonine.
Molecular consequence: missense variant.
Genome position (GRCh38, 1-based): chr16:1,153,966, G>A. VCF-style: chr16-1153966-G-A. GRCh37 (hg19) VCF-style: chr16-1203966-G-A.
Other names: c.229G>A, p.Ala77Thr (NM_001005407.2); c.229G>A (NM_021098.2); short protein forms A77T.
Identifiers: ClinVar variation 2940740 (VCV002940740.4), dbSNP rs1428706132, ClinGen allele CA394145894.

ClinVar aggregate classification (germline): Uncertain significance. Review status: criteria provided, single submitter (1 of 4 stars). 2 submissions from 2 submitters: Uncertain significance (1). 1 of the submissions does not count toward it. Last evaluated 2024-05-21.

Conditions:
Idiopathic generalized epilepsy. Also called: EIG; Generalised epilepsy. Identifiers: MedGen C0270850, MONDO:0005579, OMIM 600669.
Hyperaldosteronism, familial, type IV (HALD4). Also called: FH IV; ALDOSTERONISM, PRIMARY, AND HYPERTENSION. Identifiers: Orphanet 642671, MedGen C4310756, MONDO:0014875, OMIM 617027.
CACNA1H-related disorder.

gnomAD v4.1: 1 of 1,449,950 alleles (0.000069%); no homozygotes.

Submissions (2):

Labcorp Genetics (formerly Invitae), Labcorp
Classification: Uncertain significance for Idiopathic generalized epilepsy; Hyperaldosteronism, familial, type IV. Last evaluated: 2024-05-21. Review status: criteria provided, single submitter. Criteria: Invitae Variant Classification Sherloc (09022015). Collection method: clinical testing. Allele origin: germline.
Comment: This sequence change replaces alanine, which is neutral and non-polar, with threonine, which is neutral and polar, at codon 77 of the CACNA1H protein (p.Ala77Thr). This variant is not present in population databases (gnomAD no frequency). This variant has not been reported in the literature in individuals affected with CACNA1H-related conditions. Advanced modeling of protein sequence and biophysical properties (such as structural, functional, and spatial information, amino acid conservation, physicochemical variation, residue mobility, and thermodynamic stability) performed at Invitae indicates that this missense variant is not expected to disrupt CACNA1H protein function with a negative predictive value of 80%. In summary, the available evidence is currently insufficient to determine the role of this variant in disease. Therefore, it has been classified as a Variant of Uncertain Significance.

PreventionGenetics, part of Exact Sciences
Classification: Uncertain significance for CACNA1H-related condition. Last evaluated: 2024-05-07. Review status: no assertion criteria provided. Collection method: clinical testing. Allele origin: germline. Not counted in ClinVar's aggregate classification.
Comment: The CACNA1H c.229G>A variant is predicted to result in the amino acid substitution p.Ala77Thr. To our knowledge, this variant has not been reported in the literature or in a large population database, indicating this variant is rare. At this time, the clinical significance of this variant is uncertain due to the absence of conclusive functional and genetic evidence.